The following is an entry in ClinVar:

ClinVar aggregate classification (germline): Conflicting classifications of pathogenicity. Review status: criteria provided, conflicting classifications (1 of 4 stars). 4 submissions from 4 submitters: Likely pathogenic (1); Uncertain significance (2). 1 of the submissions does not count toward it. Last evaluated 2024-05-07.

Conditions:
ABCA1-related disorder. Also called: ABCA1-related disorders; ABCA1-related condition. Identifiers: MedGen CN239173.
Tangier disease (TGD). Also called: HIGH DENSITY LIPOPROTEIN DEFICIENCY, TANGIER TYPE; HIGH DENSITY LIPOPROTEIN DEFICIENCY, TYPE 1; Cholesterol thesaurismosis. Identifiers: Orphanet 31150, MedGen C0039292, MONDO:0008783, OMIM 205400.

Allele frequency attached by ClinVar (database versions not stated): TOPMed 0.00001.
gnomAD v4.1: 83 of 1,613,612 alleles (0.0051%); highest among the groups gnomAD compares: Non-Finnish European, 0.0034%; no homozygotes.

Submissions (4):

Blueprint Genetics
Classification: Likely pathogenic for ABCA1-related disorders. Last evaluated: 2024-05-07. Review status: criteria provided, single submitter. Criteria: ACMG Guidelines, 2015. Collection method: clinical testing. Allele origin: germline. Affected: yes. Observed: 4 variant alleles.

Labcorp Genetics (formerly Invitae), Labcorp
Classification: Uncertain significance. Last evaluated: 2023-03-19. Review status: criteria provided, single submitter. Criteria: Invitae Variant Classification Sherloc (09022015). Collection method: clinical testing. Allele origin: germline.
Comment: In summary, the available evidence is currently insufficient to determine the role of this variant in disease. Therefore, it has been classified as a Variant of Uncertain Significance. Experimental studies have shown that this missense change affects ABCA1 function (PMID: 12509412, 16873719, 18776170, 24097981). Advanced modeling of protein sequence and biophysical properties (such as structural, functional, and spatial information, amino acid conservation, physicochemical variation, residue mobility, and thermodynamic stability) performed at Invitae indicates that this missense variant is not expected to disrupt ABCA1 protein function. ClinVar contains an entry for this variant (Variation ID: 9490). This variant is also known as G1709C, Trp530Ser. This missense change has been observed in individual(s) with Tangier disease (PMID: 10431237). This variant is present in population databases (rs137854496, gnomAD 0.03%). This sequence change replaces tryptophan, which is neutral and slightly polar, with serine, which is neutral and polar, at codon 590 of the ABCA1 protein (p.Trp590Ser).

Mayo Clinic Laboratories, Mayo Clinic
Classification: Uncertain significance. Last evaluated: 2020-05-06. Review status: criteria provided, single submitter. Criteria: ACMG Guidelines, 2015. Collection method: clinical testing. Allele origin: germline. Observed: 1 variant allele.

OMIM
Classification: Pathogenic for TANGIER DISEASE. Last evaluated: 1999-08-01. Review status: no assertion criteria provided. Collection method: literature only. Allele origin: germline. Not counted in ClinVar's aggregate classification.

Literature cited by the submitters: PubMed 12509412 (cited by Labcorp Genetics (formerly Invitae), Labcorp); PubMed 16873719 (cited by Labcorp Genetics (formerly Invitae), Labcorp); PubMed 18776170 (cited by Labcorp Genetics (formerly Invitae), Labcorp); PubMed 24097981 (cited by Labcorp Genetics (formerly Invitae), Labcorp); PubMed 10431237 (cited by Labcorp Genetics (formerly Invitae), Labcorp and OMIM).

NM_005502.4(ABCA1):c.1769G>C (p.Trp590Ser)

Gene: ABCA1 (ATP binding cassette subfamily A member 1; minus strand). Cytogenetic location: 9q31.1.
Variant type: single nucleotide variant.
Coding change: c.1769G>C on transcript NM_005502.4 (MANE Select); coding-DNA position 1769, G replaced by C.
Protein change: p.Trp590Ser; replaces tryptophan 590 with serine.
Molecular consequence: missense variant.
Genome position (GRCh38, 1-based): chr9:104,831,048, C>G on the plus strand (G>C on the coding strand, the complement: ABCA1 is on the minus strand). VCF-style: chr9-104831048-C-G. GRCh37 (hg19) VCF-style: chr9-107593329-C-G.
Other names: W530S; short protein forms W590S.
Identifiers: ClinVar variation 9490 (VCV000009490.13), dbSNP rs137854496, ClinGen allele CA120483.